The following is an entry in ClinVar:

ClinVar aggregate classification (germline): Conflicting classifications of pathogenicity. Review status: criteria provided, conflicting classifications (1 of 4 stars). 8 submissions from 8 submitters: Uncertain significance (4); Likely benign (2). 2 of the submissions do not count toward it. Last evaluated 2026-09-24.

Conditions:
Autosomal recessive limb-girdle muscular dystrophy type 2J (LGMDR10). Also called: Limb-girdle muscular dystrophy, type 2J; MUSCULAR DYSTROPHY, LIMB-GIRDLE, AUTOSOMAL RECESSIVE 10. Identifiers: Orphanet 140922, MedGen C1837342, MONDO:0012127, OMIM 608807.
Dilated cardiomyopathy 1G (CMD1G). Identifiers: Orphanet 154, MedGen C1858763, MONDO:0011400, OMIM 604145.
TTN-related disorder. Also called: TTN-related condition; TTN-related disease; TTN-related disorders.
Cardiovascular phenotype. Identifiers: MedGen CN230736.
Hypertrophic cardiomyopathy 9. Also called: Familial hypertrophic cardiomyopathy 9. Identifiers: MedGen C1861065, MONDO:0013412, OMIM 613765.
Myopathy, myofibrillar, 9, with early respiratory failure (MFM9). Also called: Hereditary myopathy with early respiratory failure; MYOPATHY, PROXIMAL, WITH EARLY RESPIRATORY MUSCLE INVOLVEMENT; EDSTROM MYOPATHY; Myopathy, distal, with early respiratory failure, autosomal dominant. Identifiers: Orphanet 178464, Orphanet 34521, MedGen C1863599, MONDO:0011362, OMIM 603689.
Tibial muscular dystrophy (TMD). Also called: Udd Distal Myopathy – Tibial Muscular Dystrophy; UDD MYOPATHY; Tibial muscular dystrophy, tardive. Identifiers: Orphanet 609, MedGen C1838244, MONDO:0010870, OMIM 600334.
Early-onset myopathy with fatal cardiomyopathy (CMYO5). Also called: Salih Myopathy; CONGENITAL MYOPATHY 5 WITH CARDIOMYOPATHY. Identifiers: Orphanet 289377, MedGen C2673677, MONDO:0012714, OMIM 611705. Disease mechanism: loss of function.

Allele frequency attached by ClinVar (database versions not stated): gnomAD 0.00005 and 0.00006; gnomAD exomes 0.00006 and 0.00011; ExAC 0.00007; ESP Exome Variant Server 0.00008; TOPMed 0.00008.

Submissions (8):

PreventionGenetics, part of Exact Sciences
Classification: Uncertain significance for TTN-related condition. Last evaluated: 2026-09-24. Review status: criteria provided, single submitter. Criteria: ACMG Guidelines, 2015. Collection method: clinical testing. Allele origin: germline.
Comment: The TTN c.59474G>C variant is predicted to result in the amino acid substitution p.Arg19825Thr. To our knowledge, this variant has not been reported in the literature. This variant is reported in 0.011% of alleles in individuals of European (Non-Finnish) descent in gnomAD. Although we suspect that this variant may be benign, at this time, the clinical significance of this variant is uncertain due to the absence of conclusive functional and genetic evidence.

Molecular Diagnostic Laboratory for Inherited Cardiovascular Disease, Montreal Heart Institute
Classification: Likely benign. Last evaluated: 2025-04-09. Review status: criteria provided, single submitter. Criteria: ACMG Guidelines, 2015. Collection method: clinical testing. Allele origin: germline. Affected: no.

Fulgent Genetics
Classification: Uncertain significance for Tibial muscular dystrophy; Myopathy, myofibrillar, 9, with early respiratory failure; Dilated cardiomyopathy 1G; Autosomal recessive limb-girdle muscular dystrophy type 2J; Early-onset myopathy with fatal cardiomyopathy; Hypertrophic cardiomyopathy 9. Last evaluated: 2021-09-27. Review status: criteria provided, single submitter. Criteria: ACMG Guidelines, 2015. Collection method: clinical testing. Allele origin: unknown.

Women's Health and Genetics/Laboratory Corporation of America, LabCorp
Classification: Uncertain significance. Last evaluated: 2020-01-20. Review status: criteria provided, single submitter. Criteria: LabCorp Variant Classification Summary - May 2015. Collection method: clinical testing. Allele origin: germline.
Comment: Variant summary: TTN c.51770G>C (p.Arg17257Thr) results in a non-conservative amino acid change located in the A-band domain of the encoded protein sequence. Four of five in-silico tools predict a benign effect of the variant on protein function. The variant allele was found at a frequency of 6.4e-05 in 248454 control chromosomes (gnomAD). This frequency is not significantly higher than expected for a pathogenic variant in TTN causing Cardiomyopathy (6.4e-05 vs 0.00063), allowing no conclusion about variant significance. To our knowledge, no occurrence of c.51770G>C in individuals affected with Cardiomyopathy and no experimental evidence demonstrating its impact on protein function have been reported. One ClinVar submitter (evaluation after 2014) cites the variant as uncertain significance. Based on the evidence outlined above, the variant was classified as uncertain significance.

Ambry Genetics
Classification: Likely benign for Cardiovascular phenotype. Last evaluated: 2019-06-17. Review status: criteria provided, single submitter. Criteria: Ambry Variant Classification Scheme 2023. Collection method: clinical testing. Allele origin: germline.

Labcorp Genetics (formerly Invitae), Labcorp
Classification: Uncertain significance for Dilated cardiomyopathy 1G; Autosomal recessive limb-girdle muscular dystrophy type 2J. Last evaluated: 2017-12-29. Review status: criteria provided, single submitter. Criteria: Invitae Variant Classification Sherloc (09022015). Collection method: clinical testing. Allele origin: germline.

Genome Diagnostics Laboratory, University Medical Center Utrecht
Classification: Likely benign. Review status: no assertion criteria provided. Collection method: clinical testing. Allele origin: germline. Affected: yes. Study: VKGL Data-share Consensus. Not counted in ClinVar's aggregate classification.

Joint Genome Diagnostic Labs from Nijmegen and Maastricht, Radboudumc and MUMC+
Classification: Likely benign. Review status: no assertion criteria provided. Collection method: clinical testing. Allele origin: germline. Affected: yes. Study: VKGL Data-share Consensus. Not counted in ClinVar's aggregate classification.

NM_001267550.2(TTN):c.59474G>C (p.Arg19825Thr)

Genes: TTN (titin; minus strand), TTN-AS1 (TTN antisense RNA 1; plus strand), LOC126806424 (CDK7 strongly-dependent group 2 enhancer GRCh37_chr2:179456337-179457536; plus strand). Cytogenetic location: 2q31.2.
Variant type: single nucleotide variant.
Coding change: c.59474G>C on transcript NM_001267550.2 (MANE Select); coding-DNA position 59474, G replaced by C.
Protein change: p.Arg19825Thr; replaces arginine 19825 with threonine.
Molecular consequence: missense variant.
Genome position (GRCh38, 1-based): chr2:178,592,531, C>G on the plus strand (G>C on the coding strand, the complement: TTN is on the minus strand). VCF-style: chr2-178592531-C-G. GRCh37 (hg19) VCF-style: chr2-179457258-C-G.
Other names: c.54551G>C, p.Arg18184Thr (NM_001256850.1); c.32279G>C, p.Arg10760Thr (NM_003319.4); c.51770G>C, p.Arg17257Thr (NM_133378.4); c.32654G>C, p.Arg10885Thr (NM_133432.3); c.32855G>C, p.Arg10952Thr (NM_133437.4); short protein forms R19825T, R10885T, R10952T, R17257T, R10760T, R18184T.
Identifiers: ClinVar variation 467328 (VCV000467328.14), dbSNP rs376465623, ClinGen allele CA1992660.